The following is an entry in ClinVar:

ClinVar aggregate classification (germline): Uncertain significance (1 of 4 stars; one submission).

Allele frequency attached by ClinVar (database versions not stated): gnomAD exomes below 0.00001.
gnomAD v4.1: 1 of 1,612,262 alleles (0.000062%); highest among the groups gnomAD compares: East Asian, 0.0022%; no homozygotes.

Submission:

Labcorp Genetics (formerly Invitae), Labcorp
Classification: Uncertain significance. Last evaluated: 2022-03-06. Review status: criteria provided, single submitter. Criteria: Invitae Variant Classification Sherloc (09022015). Collection method: clinical testing. Allele origin: germline.
Comment: This sequence change replaces lysine, which is basic and polar, with glutamic acid, which is acidic and polar, at codon 107 of the TMEM230 protein (p.Lys107Glu). This variant is not present in population databases (gnomAD no frequency). This variant has not been reported in the literature in individuals affected with TMEM230-related conditions. Algorithms developed to predict the effect of missense changes on protein structure and function (SIFT, PolyPhen-2, Align-GVGD) all suggest that this variant is likely to be disruptive. In summary, the available evidence is currently insufficient to determine the role of this variant in disease. Therefore, it has been classified as a Variant of Uncertain Significance.

NM_001009925.2(TMEM230):c.130A>G (p.Lys44Glu)

Gene: TMEM230 (transmembrane protein 230; minus strand). Cytogenetic location: 20p12.3.
Variant type: single nucleotide variant.
Coding change: c.130A>G on transcript NM_001009925.2 (MANE Select); coding-DNA position 130, A replaced by G.
Protein change: p.Lys44Glu; replaces lysine 44 with glutamic acid.
Molecular consequence: missense variant.
Genome position (GRCh38, 1-based): chr20:5,106,280, T>C on the plus strand (A>G on the coding strand, the complement: TMEM230 is on the minus strand). VCF-style: chr20-5106280-T-C. GRCh37 (hg19) VCF-style: chr20-5086926-T-C.
Other names: c.130A>G, p.Lys44Glu (NM_001009924.2, NM_001330984.2, NM_001330985.2 and 4 more transcripts); short protein forms K44E.
Identifiers: ClinVar variation 1937327 (VCV001937327.5), dbSNP rs2090089157, ClinGen allele CA408156161.
Genomic context (GRCh38, chr20:5,106,280, plus strand): 5'-AGCCTATAATAATGAGAAAGGCGCCAATCAAAAACAGCACAGTGGCAAGTGCGATGGCCT[T>C]ATAAGGGATCTTAGGAGGGGTTTTCTTAAACTGGAAGAGAAATAGAGATGAAAAAGACAA-3'
Protein context (NP_001009925.1, residues 34-54): FKKTPPKIPY[Lys44Glu]AIALATVLFL